The following is an entry in ClinVar:

NM_003079.5(SMARCE1):c.496A>G (p.Lys166Glu)

Gene: SMARCE1 (SWI/SNF related BAF chromatin remodeling complex subunit E1; minus strand). Cytogenetic location: 17q21.2.
Variant type: single nucleotide variant.
Coding change: c.496A>G on transcript NM_003079.5 (MANE Select); coding-DNA position 496, A replaced by G.
Protein change: p.Lys166Glu; replaces lysine 166 with glutamic acid.
Molecular consequence: missense variant.
Genome position (GRCh38, 1-based): chr17:40,635,976, T>C on the plus strand (A>G on the coding strand, the complement: SMARCE1 is on the minus strand). VCF-style: chr17-40635976-T-C. GRCh37 (hg19) VCF-style: chr17-38792228-T-C.
Other names: short protein forms K166E.
Identifiers: ClinVar variation 3799002 (VCV003799002.1).

ClinVar aggregate classification (germline): Uncertain significance (1 of 4 stars; one submission).

Conditions:
Hereditary cancer-predisposing syndrome. Also called: Neoplastic Syndromes, Hereditary; Hereditary Cancer Syndrome; Tumor predisposition; Hereditary neoplastic syndrome. Identifiers: Orphanet 140162, MedGen C0027672, MeSH D009386, MONDO:0015356.

Submission:

Ambry Genetics
Classification: Uncertain significance for Hereditary cancer-predisposing syndrome. Last evaluated: 2024-12-16. Review status: criteria provided, single submitter. Criteria: Ambry Variant Classification Scheme 2023. Collection method: clinical testing. Allele origin: germline.
Comment: The p.K166E variant (also known as c.496A>G), located in coding exon 6 of the SMARCE1 gene, results from an A to G substitution at nucleotide position 496. The lysine at codon 166 is replaced by glutamic acid, an amino acid with similar properties. This amino acid position is conserved. In addition, the in silico prediction for this alteration is inconclusive. Based on the available evidence, the clinical significance of this variant remains unclear.